The following is an entry in ClinVar:

ClinVar aggregate classification (germline): Uncertain significance (1 of 4 stars; one submission).

Conditions:
Ehlers-Danlos syndrome, musculocontractural type 2 (EDSMC2). Identifiers: Orphanet 2953, MedGen C3809845, MONDO:0014236, OMIM 615539.

Submission:

Labcorp Genetics (formerly Invitae), Labcorp
Classification: Uncertain significance for Ehlers-Danlos syndrome, musculocontractural type 2. Last evaluated: 2021-10-27. Review status: criteria provided, single submitter. Criteria: Invitae Variant Classification Sherloc (09022015). Collection method: clinical testing. Allele origin: germline.
Comment: This sequence change creates a premature translational stop signal (p.Leu558Hisfs*31) in the DSE gene. While this is not anticipated to result in nonsense mediated decay, it is expected to disrupt the last 401 amino acid(s) of the DSE protein. In summary, the available evidence is currently insufficient to determine the role of this variant in disease. Therefore, it has been classified as a Variant of Uncertain Significance. Experimental studies and prediction algorithms are not available or were not evaluated, and the functional significance of this variant is currently unknown. This variant has not been reported in the literature in individuals affected with DSE-related conditions. This variant is not present in population databases (gnomAD no frequency).

NM_013352.4(DSE):c.1673_1674del (p.Leu558fs)

Gene: DSE (dermatan sulfate epimerase; plus strand). Cytogenetic location: 6q22.1.
Variant type: Microsatellite.
Coding change: c.1673_1674del on transcript NM_013352.4 (MANE Select); coding-DNA positions 1673 to 1674, 2 bases deleted (TC; older notation c.1673_1674delTC).
Protein change: p.Leu558fs; shifts the reading frame from leucine 558.
Molecular consequence: frameshift variant. On other transcripts: 3 prime UTR variant (2), non-coding transcript variant (1).
Genome position (GRCh38, 1-based): chr6:116,436,141-116,436,142, TC deleted; deleting any 2 consecutive bases within chr6:116,436,139-116,436,142 gives the same sequence; the c. name uses the placement nearest the transcript's 3' end. VCF-style (leftmost placement, unchanged base first): chr6-116436138-ATC-A. GRCh37 (hg19) VCF-style: chr6-116757301-ATC-A.
Other names: c.1673_1674del, p.Leu558fs (NM_001080976.3, NM_001322937.2, NM_001322938.2); c.1730_1731del, p.Leu577fs (NM_001322939.2); c.1112_1113del, p.Leu371fs (NM_001322940.2, NM_001322941.2); c.*536TC[1] (NM_001322943.2, NM_001322944.2); c.674_675del, p.Leu225fs (NM_001374520.1); c.638_639del, p.Leu213fs (NM_001374521.1); short protein forms L558fs, L213fs, L225fs, L577fs, L371fs.
Identifiers: ClinVar variation 1347616 (VCV001347616.6), dbSNP rs2115095071, ClinGen allele CA2580617336.